The following is an entry in ClinVar:

ClinVar aggregate classification (germline): Uncertain significance. Review status: criteria provided, multiple submitters, no conflicts (2 of 4 stars). 3 submissions from 3 submitters: Uncertain significance (3). Last evaluated 2025-12-16.

Conditions:
Inherited breast cancer and ovarian cancer.
Hereditary cancer-predisposing syndrome. Also called: Neoplastic Syndromes, Hereditary; Tumor predisposition; Hereditary Cancer Syndrome; Hereditary neoplastic syndrome. Identifiers: Orphanet 140162, MedGen C0027672, MeSH D009386, MONDO:0015356.

Submissions (3):

Cambridge Genomics Laboratory, East Genomic Laboratory Hub, NHS Genomic Medicine Service
Classification: Uncertain significance for Inherited breast cancer and ovarian cancer. Last evaluated: 2025-12-16. Review status: criteria provided, single submitter. Criteria: ACGS Best Practice Guidelines for Variant Classification in Rare Disease 2020. Collection method: clinical testing. Allele origin: germline. Affected: yes.
Comment: PM2

Color Diagnostics, LLC DBA Color Health
Classification: Uncertain significance for Hereditary cancer-predisposing syndrome. Last evaluated: 2025-12-08. Review status: criteria provided, single submitter. Criteria: ACMG Guidelines, 2015. Collection method: clinical testing. Allele origin: germline.
Comment: This missense variant replaces alanine with valine at codon 3028 of the BRCA2 protein. Computational prediction suggests that this variant may not impact protein structure and function. Splicing prediction algorithms suggest that this variant may weaken the intron 23 splice donor site (PMID: 30661751, 35449021). Functional studies have reported that this variant does not impact BRCA2 function in a rescue of BRCA2-deficiency in cell proliferation and sensitivity to cisplatin and PARP inhibitor assays and in a haploid cell proliferation assay (PMID: 39779848, 39779857). However, this variant is noted to have an impact on RNA splicing (PMID: 39779848). This variant has not been reported in individuals affected with BRCA2-related disorders in the literature. This variant has not been identified in the general population by the Genome Aggregation Database (gnomAD). The available evidence is insufficient to determine the role of this variant in disease conclusively. Therefore, this variant is classified as a Variant of Uncertain Significance.

Ambry Genetics
Classification: Uncertain significance for Hereditary cancer-predisposing syndrome. Last evaluated: 2021-05-27. Review status: criteria provided, single submitter. Criteria: Ambry Variant Classification Scheme 2023. Collection method: clinical testing. Allele origin: germline.
Comment: The p.A3028V variant (also known as c.9083C>T), located in coding exon 22 of the BRCA2 gene, results from a C to T substitution at nucleotide position 9083. The alanine at codon 3028 is replaced by valine, an amino acid with similar properties. This amino acid position is poorly conserved in available vertebrate species. In addition, this alteration is predicted to be tolerated by in silico analysis. Since supporting evidence is limited at this time, the clinical significance of this alteration remains unclear.

Literature cited by the submitters: PubMed 30661751 (cited by Color Diagnostics, LLC DBA Color Health); PubMed 35449021 (cited by Color Diagnostics, LLC DBA Color Health); PubMed 39779848 (cited by Color Diagnostics, LLC DBA Color Health); PubMed 39779857 (cited by Color Diagnostics, LLC DBA Color Health).

NM_000059.4(BRCA2):c.9083C>T (p.Ala3028Val)

Gene: BRCA2 (BRCA2 DNA repair associated; plus strand). Cytogenetic location: 13q13.1.
Variant type: single nucleotide variant.
Coding change: c.9083C>T on transcript NM_000059.4 (MANE Select); coding-DNA position 9083, C replaced by T.
Protein change: p.Ala3028Val; replaces alanine 3028 with valine.
Molecular consequence: missense variant.
Genome position (GRCh38, 1-based): chr13:32,379,879, C>T. VCF-style: chr13-32379879-C-T. GRCh37 (hg19) VCF-style: chr13-32954016-C-T.
Other names: c.8987C>T, p.Ala2996Val (NM_001406719.1); c.9032C>T, p.Ala3011Val (NM_001406720.1); c.4151C>T, p.Ala1384Val (NM_001406721.1); c.2666C>T, p.Ala889Val (NM_001406722.1); short protein forms A3028V, A1384V, A3011V, A889V, A2996V.
Identifiers: ClinVar variation 1765719 (VCV001765719.4), dbSNP rs2137623443, ClinGen allele CA387757625.